The following is an entry in ClinVar:

NM_000089.4(COL1A2):c.2349+3G>A

Gene: COL1A2 (collagen type I alpha 2 chain; plus strand). Cytogenetic location: 7q21.3.
Variant type: single nucleotide variant.
Coding change: c.2349+3G>A on transcript NM_000089.4 (MANE Select); 3 bases into the intron after coding-DNA position 2349, G replaced by A.
Molecular consequence: intron variant.
Genome position (GRCh38, 1-based): chr7:94,421,065, G>A. VCF-style: chr7-94421065-G-A. GRCh37 (hg19) VCF-style: chr7-94050377-G-A.
Identifiers: ClinVar variation 2202438 (VCV002202438.4), dbSNP rs1244250854, ClinGen allele CA576323471.

ClinVar aggregate classification (germline): Uncertain significance (1 of 4 stars; one submission).

Conditions:
Ehlers-Danlos syndrome, classic type, 1 (EDSCL1). Also called: Ehlers-Danlos Syndrome, Classic Type, COL5A1-Related; EHLERS-DANLOS SYNDROME, GRAVIS TYPE; EHLERS-DANLOS SYNDROME, SEVERE CLASSIC TYPE; Ehlers-Danlos syndrome, type 1; EDS I. Identifiers: MedGen C0268335, MONDO:0019567, OMIM 130000.
Osteogenesis imperfecta type I (OI1). Also called: OI, TYPE I; OSTEOGENESIS IMPERFECTA TARDA; OSTEOGENESIS IMPERFECTA WITH BLUE SCLERAE; Osteogenesis imperfecta type 1; Classic Non-deforming Osteogenesis Imperfecta with Blue Sclerae; Lobstein's Disease. Identifiers: Orphanet 216796, Orphanet 666, MedGen C0023931, MONDO:0008146, OMIM 166200. Disease mechanism: loss of function.

Allele frequency attached by ClinVar (database versions not stated): gnomAD exomes below 0.00001.
gnomAD v4.1: 5 of 1,614,086 alleles (0.00031%); highest among the groups gnomAD compares: South Asian, 0.0055%; no homozygotes.

Submission:

Labcorp Genetics (formerly Invitae), Labcorp
Classification: Uncertain significance for Osteogenesis imperfecta type I; Ehlers-Danlos syndrome, classic type, 1. Last evaluated: 2022-12-03. Review status: criteria provided, single submitter. Criteria: Invitae Variant Classification Sherloc (09022015). Collection method: clinical testing. Allele origin: germline.
Comment: This sequence change falls in intron 38 of the COL1A2 gene. It does not directly change the encoded amino acid sequence of the COL1A2 protein. It affects a nucleotide within the consensus splice site. This variant is present in population databases (no rsID available, gnomAD 0.006%). This variant has not been reported in the literature in individuals affected with COL1A2-related conditions. Variants that disrupt the consensus splice site are a relatively common cause of aberrant splicing (PMID: 17576681, 9536098). Algorithms developed to predict the effect of sequence changes on RNA splicing suggest that this variant is not likely to affect RNA splicing. In summary, the available evidence is currently insufficient to determine the role of this variant in disease. Therefore, it has been classified as a Variant of Uncertain Significance.

Literature cited by the submitters: PubMed 17576681; PubMed 9536098.